The following is an entry in ClinVar:

ClinVar aggregate classification (germline): Uncertain significance. Review status: criteria provided, multiple submitters, no conflicts (2 of 4 stars). 2 submissions from 2 submitters: Uncertain significance (2). Last evaluated 2025-11-13.

Conditions:
Colorectal cancer, hereditary nonpolyposis, type 7. Identifiers: Orphanet 144, MedGen C1858380, MONDO:0013725, OMIM 614385.

Allele frequency attached by ClinVar (database versions not stated): TOPMed below 0.00001; gnomAD exomes 0.00004.
gnomAD v4.1: 54 of 1,614,180 alleles (0.0033%); highest among the groups gnomAD compares: Non-Finnish European, 0.0043%; no homozygotes.

Submissions (2):

Labcorp Genetics (formerly Invitae), Labcorp
Classification: Uncertain significance for Colorectal cancer, hereditary nonpolyposis, type 7. Last evaluated: 2025-11-13. Review status: criteria provided, single submitter. Criteria: Invitae Variant Classification Sherloc (09022015). Collection method: clinical testing. Allele origin: germline.
Comment: This sequence change replaces leucine, which is neutral and non-polar, with proline, which is neutral and non-polar, at codon 1138 of the MLH3 protein (p.Leu1138Pro). This variant is not present in population databases (gnomAD no frequency). This variant has not been reported in the literature in individuals affected with MLH3-related conditions. ClinVar contains an entry for this variant (Variation ID: 582823). An algorithm developed to predict the effect of missense changes on protein structure and function (PolyPhen-2) suggests that this variant is likely to be disruptive. In summary, the available evidence is currently insufficient to determine the role of this variant in disease. Therefore, it has been classified as a Variant of Uncertain Significance.

Ambry Genetics
Classification: Uncertain significance. Last evaluated: 2025-07-19. Review status: criteria provided, single submitter. Criteria: Ambry Variant Classification Scheme 2023. Collection method: clinical testing. Allele origin: germline.
Comment: The p.L1138P variant (also known as c.3413T>C), located in coding exon 3 of the MLH3 gene, results from a T to C substitution at nucleotide position 3413. The leucine at codon 1138 is replaced by proline, an amino acid with similar properties. This amino acid position is conserved. In addition, this alteration is predicted to be deleterious by in silico analysis. Since supporting evidence is limited at this time, the clinical significance of this alteration remains unclear.

NM_001040108.2(MLH3):c.3413T>C (p.Leu1138Pro)

Gene: MLH3 (mutL homolog 3; minus strand). Cytogenetic location: 14q24.3.
Variant type: single nucleotide variant.
Coding change: c.3413T>C on transcript NM_001040108.2 (MANE Select); coding-DNA position 3413, T replaced by C.
Protein change: p.Leu1138Pro; replaces leucine 1138 with proline.
Molecular consequence: missense variant.
Genome position (GRCh38, 1-based): chr14:75,041,667, A>G on the plus strand (T>C on the coding strand, the complement: MLH3 is on the minus strand). VCF-style: chr14-75041667-A-G. GRCh37 (hg19) VCF-style: chr14-75508370-A-G.
Other names: c.3413T>C, p.Leu1138Pro (NM_014381.3); short protein forms L1138P.
Identifiers: ClinVar variation 582823 (VCV000582823.14), dbSNP rs1566596824, ClinGen allele CA390430876.